The following is an entry in ClinVar:

NM_000535.7(PMS2):c.-7_-5del

Gene: PMS2 (PMS1 homolog 2, mismatch repair system component; minus strand). Cytogenetic location: 7p22.1.
Variant type: Deletion.
Coding change: c.-7_-5del on transcript NM_000535.7 (MANE Select); 7 bases upstream of the start codon through 5 bases upstream of the start codon, 3 bases deleted (TGC; older notation c.-7_-5delTGC).
Molecular consequence: 5 prime UTR variant. On other transcripts: non-coding transcript variant (1).
Genome position (GRCh38, 1-based): chr7:6,009,024-6,009,026, GCA deleted on the plus strand (TGC on the coding strand, the reverse complement: PMS2 is on the minus strand). VCF-style (leftmost placement, unchanged base first): chr7-6009023-TGCA-T. GRCh37 (hg19) VCF-style: chr7-6048654-TGCA-T.
Other names: c.-407_-405del (NM_001322003.2, NM_001322013.2); c.-272_-270del (NM_001322004.2, NM_001322010.2); c.-602_-600del (NM_001322005.2); c.-7_-5del (NM_001322006.2, NM_001322014.2); c.-222_-220del (NM_001322007.2); c.-82_-80del (NM_001322008.2); c.-597_-595del (NM_001322009.2); c.-891_-889del (NM_001322011.2); and 2 more.
Identifiers: ClinVar variation 419797 (VCV000419797.7), dbSNP rs1064794112, ClinGen allele CA16618549.

ClinVar aggregate classification (germline): Uncertain significance. Review status: criteria provided, multiple submitters, no conflicts (2 of 4 stars). 3 submissions from 3 submitters: Uncertain significance (3). Last evaluated 2025-01-22.

Conditions:
Hereditary cancer-predisposing syndrome. Also called: Hereditary neoplastic syndrome; Tumor predisposition; Neoplastic Syndromes, Hereditary; Hereditary Cancer Syndrome. Identifiers: Orphanet 140162, MedGen C0027672, MeSH D009386, MONDO:0015356.

Allele frequency attached by ClinVar (database versions not stated): gnomAD exomes below 0.00001; gnomAD 0.00001.

Submissions (3):

Ambry Genetics
Classification: Uncertain significance for Hereditary cancer-predisposing syndrome. Last evaluated: 2025-01-22. Review status: criteria provided, single submitter. Criteria: Ambry Variant Classification Scheme 2023. Collection method: clinical testing. Allele origin: germline.
Comment: The c.-7_-5delTGC is located in the 5' untranslated region (5'UTR) of the PMS2 gene. This variant results from a deletion of 3 nucleotides upstream from the first translated codon. This nucleotide region is not well conserved in available vertebrate species. Based on the available evidence, the clinical significance of this variant remains unclear.

Color Diagnostics, LLC DBA Color Health
Classification: Uncertain significance for Hereditary cancer-predisposing syndrome. Last evaluated: 2022-07-26. Review status: criteria provided, single submitter. Criteria: ACMG Guidelines, 2015. Collection method: clinical testing. Allele origin: germline.
Comment: This variant is located in the 5' untranslated region in the PMS2 gene. To our knowledge, functional studies have not been reported for this variant. This variant has not been reported in individuals affected with hereditary cancer in the literature. This variant has not been identified in the general population by the Genome Aggregation Database (gnomAD). The available evidence is insufficient to determine the role of this variant in disease conclusively. Therefore, this variant is classified as a Variant of Uncertain Significance.

GeneDx
Classification: Uncertain significance. Last evaluated: 2016-04-28. Review status: criteria provided, single submitter. Criteria: GeneDx Variant Classification (06012015). Collection method: clinical testing. Allele origin: germline. Affected: yes.
Comment: This variant is denoted PMS2 c.-7_-5delTGC, and describes a deletion of three nucleotides upstream of the PMS2 ATG translational start site in the 5' untranslated region (UTR). The surrounding sequence, with the bases that are deleted in braces, is GTGT[TGC]ATCC. This variant has not, to our knowledge, been published in the literature as pathogenic or benign. Although the deleted nucleotides are not conserved, this deletion occurs in the Kozak consensus sequence and therefore may impact protein translation. However, in the absence of functional studies, the actual effect of this variant is unknown. PMS2 c.-7_-5delTGC was not observed in approximately 6,500 individuals of European and African American ancestry in the NHLBI Exome Sequencing Project, suggesting it is not a common benign variant in these populations. Based on the currently available information, it is unclear whether PMS2 c.-7_-5delTGC is pathogenic or benign. We consider it to be a variant of uncertain significance.